The following is an entry in ClinVar:

ClinVar aggregate classification (germline): Benign/Likely benign. Review status: criteria provided, multiple submitters, no conflicts (2 of 4 stars). 5 submissions from 5 submitters: Benign (1); Likely benign (4). Last evaluated 2025-03-12.

Conditions:
Pheochromocytoma. Also called: MAX-Related Hereditary Paraganglioma-Pheochromocytoma Syndrome. Identifiers: Orphanet 29072, MedGen C0031511, MONDO:0008233, OMIM 171300, HP:0002666.
Pheochromocytoma/paraganglioma syndrome 4. Also called: CAROTID BODY TUMORS AND MULTIPLE EXTRAADRENAL PHEOCHROMOCYTOMAS; PARAGANGLIOMA, FAMILIAL MALIGNANT; PARAGANGLIOMAS, HEREDITARY EXTRAADRENAL; PHEOCHROMOCYTOMA, FAMILIAL EXTRAADRENAL; Paragangliomas 4; SDHB-Related Hereditary Paraganglioma-Pheochromocytoma Syndrome (Paragangliomas 4). Identifiers: Orphanet 29072, MedGen C1861848, MONDO:0007273, OMIM 115310.
Gastrointestinal stromal tumor. Also called: Gastrointestinal stromal tumor, somatic; Gastrointestinal stroma tumor. Identifiers: Orphanet 44890, MedGen C0238198, MeSH D046152, MONDO:0011719, OMIM 606764, HP:0100723.
Hereditary pheochromocytoma and paraganglioma. Also called: Hereditary Paraganglioma-Pheochromocytoma Syndromes; Hereditary pheochromocytoma-paraganglioma; Hereditary paragangliomas and pheochromocytomas. Identifiers: Orphanet 29072, MedGen C4274332, MONDO:0017366.
Hereditary cancer-predisposing syndrome. Also called: Neoplastic Syndromes, Hereditary; Tumor predisposition; Hereditary Cancer Syndrome; Hereditary neoplastic syndrome. Identifiers: Orphanet 140162, MedGen C0027672, MeSH D009386, MONDO:0015356.

Submissions (5):

Myriad Genetics, Inc.
Classification: Benign for Pheochromocytoma/paraganglioma syndrome 4. Last evaluated: 2025-03-12. Review status: criteria provided, single submitter. Criteria: Myriad Autosomal Dominant, Autosomal Recessive and X-Linked Classification Criteria (2023). Collection method: clinical testing. Allele origin: unknown.
Comment: This variant is considered benign. This variant is a silent/synonymous amino acid change and it is not expected to impact splicing.

Labcorp Genetics (formerly Invitae), Labcorp
Classification: Likely benign for Gastrointestinal stromal tumor; Pheochromocytoma/paraganglioma syndrome 4; Pheochromocytoma. Last evaluated: 2024-11-04. Review status: criteria provided, single submitter. Criteria: Invitae Variant Classification Sherloc (09022015). Collection method: clinical testing. Allele origin: germline.

Ambry Genetics
Classification: Likely benign for Hereditary cancer-predisposing syndrome. Last evaluated: 2023-12-24. Review status: criteria provided, single submitter. Criteria: Ambry Variant Classification Scheme 2023. Collection method: clinical testing. Allele origin: germline.

All of Us Research Program, National Institutes of Health
Classification: Likely benign for Hereditary pheochromocytoma and paraganglioma. Last evaluated: 2023-09-04. Review status: criteria provided, single submitter. Criteria: ACMG Guidelines, 2015. Collection method: clinical testing. Allele origin: germline. Inheritance: Autosomal dominant inheritance. Observed: 1 variant allele, 1 heterozygote.
Comment: This study involves interpretation of variants in research participants for the purpose of population health screening. Participant phenotype was not available at the time of variant classification. Additional details can be found in publication PMID: 35346344, PMCID: PMC8962531

Color Diagnostics, LLC DBA Color Health
Classification: Likely benign for Hereditary pheochromocytoma and paraganglioma. Last evaluated: 2023-08-31. Review status: criteria provided, single submitter. Criteria: ACMG Guidelines, 2015. Collection method: clinical testing. Allele origin: germline.

NM_003000.3(SDHB):c.207C>T (p.Gly69=)

Gene: SDHB (succinate dehydrogenase complex iron sulfur subunit B; minus strand). Cytogenetic location: 1p36.13.
Variant type: single nucleotide variant.
Coding change: c.207C>T on transcript NM_003000.3 (MANE Select); coding-DNA position 207, C replaced by T.
Protein change: p.Gly69=; no amino-acid change (glycine 69 retained).
Molecular consequence: synonymous variant.
Genome position (GRCh38, 1-based): chr1:17,033,139, G>A on the plus strand (C>T on the coding strand, the complement: SDHB is on the minus strand). VCF-style: chr1-17033139-G-A. GRCh37 (hg19) VCF-style: chr1-17359634-G-A.
Other names: c.207C>T (NM_003000.2).
Identifiers: ClinVar variation 1608839 (VCV001608839.12), dbSNP rs2101529103, ClinGen allele CA416089570.
Genomic context (GRCh38, chr1:17,033,139, plus strand): 5'-GAAGGTCAAAGTAGAGTCAACTTCATTCTTAATCTTGATTAAAGCATCCAATACCATGGG[G>A]CCACATCTAACAAAGAAAAATATCCAGTGGTATTTATGTAACGTTCAACCTCCCTACACT-3'
Protein context (NP_002991.2, residues 59-79): QTYEVDLNKC[Gly69=]PMVLDALIKI